The following continues an entry in ClinVar:

NM_000051.4(ATM):c.1066-6T>G

Gene: ATM. ClinVar aggregate classification (germline): Benign. Benign (1).

Submissions 20 to 35 of 39:

Women's Health and Genetics/Laboratory Corporation of America, LabCorp
Classification: Benign. Last evaluated: 2019-06-07. Review status: criteria provided, single submitter. Criteria: LabCorp Variant Classification Summary - May 2015. Collection method: clinical testing. Allele origin: germline. Not counted in ClinVar's aggregate classification.
Comment: Variant summary: ATM c.1066-6T>G alters a conserved nucleotide located close to a canonical splice site and therefore could affect mRNA splicing, leading to a significantly altered protein sequence. 5/5 computational tools predict no significant impact on normal splicing. Although the variant was reported to be associated with a partial splicing defect (see e.g. Broeks_2000, Dork_2001, Fang_2010), several patient samples were also reported to have second-site mutations that could also affect splicing, therefor the splicing effect of the variant in isolation is currently unclear (Tavtigian_2009, Fievet_2019). The variant allele was found at a frequency of 0.0014 in 270694 control chromosomes, predominantly within the Non-Finnish European subpopulation at a frequency of 0.0024 in the gnomAD database (including 2 homozygotes). The observed variant frequency within Non-Finnish European control individuals in the gnomAD database is approximately 2.4 fold of the estimated maximal expected allele frequency for a pathogenic variant in ATM causing Breast Cancer phenotype (0.001), strongly suggesting that the variant is a benign polymorphism found primarily in populations of Non-Finnish European origin. In addition, the variant was reported to be found in the FLOSSIES database in 33/7325 European American women, who were older than age 70 years and have never had cancer. The allele frequency in this cohort is also higher than expected for a pathogenic variant in ATM causing Breast Cancer (0.0023 vs. 0.001), further supporting a benign role for the variant. Though the variant has been reported in the literature in homozygous individuals affected with Ataxia Telangiectasia (A-T), these patients carried second-site mutations that were sufficient to explain the A-T phenotype (Tavtigian_2009, Fievet_2019). The variant was also reported in compound heterozygosity, with (potential) pathogenic ATM variants in trans, in an individual affected with breast cancer (Fang_2010) and also in a patient with multiple myeloma and (per authors) an atypical, milder A-T phenotype (Austen_2008). Therefore these reports do not support the association of the variant with A-T. The variant, c.1066-6T>G, also has been reported in the literature in individuals affected with Breast Cancer, however in most of the cases co-occurrence and/or co-segregation data was not provided, therefore these reports do not provide unequivocal conclusions about association of the variant with Breast Cancer. Moreover, in case-control studies the variant did not have significantly increased risk association with breast cancer (Dork_2001, Bernstein_2006, Ding_2011). One recent case-control study reported the variant with an increased risk for CLL (OR: 3.29), however this analysis had a relatively small sample size and most patients were sporadic cases, thus this risk association might not be reliable (Tiao 2017). Twelve other submitters have provided clinical-significance assessments for this variant in ClinVar after 2014 (without evidence for independent evaluation), and classified the variant as VUS (4x), likely benign (3x) / benign (5x). Based on the evidence outlined above, the variant was classified as benign.

Ambry Genetics
Classification: Likely benign for Hereditary cancer-predisposing syndrome. Last evaluated: 2019-05-09. Review status: criteria provided, single submitter. Criteria: Ambry Variant Classification Scheme 2023. Collection method: clinical testing. Allele origin: germline. Not counted in ClinVar's aggregate classification.

Athena Diagnostics
Classification: Benign. Last evaluated: 2018-08-20. Review status: criteria provided, single submitter. Criteria: Athena Diagnostics Criteria. Collection method: clinical testing. Allele origin: germline. Not counted in ClinVar's aggregate classification.

Mendelics
Classification: Likely benign for Ataxia-telangiectasia syndrome. Last evaluated: 2018-07-02. Review status: criteria provided, single submitter. Criteria: Mendelics Assertion Criteria 2017. Collection method: clinical testing. Allele origin: unknown. Not counted in ClinVar's aggregate classification.

Illumina Laboratory Services, Illumina
Classification: Uncertain significance for Ataxia-telangiectasia syndrome. Last evaluated: 2017-04-28. Review status: criteria provided, single submitter. Criteria: ICSL Variant Classification Criteria 13 December 2019. Collection method: clinical testing. Allele origin: germline. Not counted in ClinVar's aggregate classification.
Comment: This variant was observed as part of a predisposition screen in an ostensibly healthy population. A literature search was performed for the gene, cDNA change, and amino acid change (where applicable). Publications were found based on this search. However, the evidence from the literature, in combination with allele frequency data from public databases where available, was not sufficient to rule this variant in or out of causing disease. Therefore, this variant is classified as a variant of unknown significance.

PreventionGenetics, part of Exact Sciences
Classification: Benign. Last evaluated: 2017-02-27. Review status: criteria provided, single submitter. Criteria: ACMG Guidelines, 2015. Collection method: clinical testing. Allele origin: germline. Not counted in ClinVar's aggregate classification.

Eurofins Ntd Llc (ga)
Classification: Uncertain significance. Last evaluated: 2014-09-16. Review status: criteria provided, single submitter. Criteria: EGL Classification Definitions 2015. Collection method: clinical testing. Allele origin: germline. Observed: 1 variant allele, 1 heterozygote. Not counted in ClinVar's aggregate classification.

Breakthrough Genomics
Classification: Benign. Review status: criteria provided, single submitter. Criteria: ACMG Guidelines, 2015. Collection method: not provided. Allele origin: germline. Inheritance: Autosomal recessive inheritance. Affected: yes. Not counted in ClinVar's aggregate classification.

Institute for Biomarker Research, Medical Diagnostic Laboratories, L.L.C.
Classification: Uncertain significance for Hereditary cancer-predisposing syndrome. Last evaluated: 2021-09-27. Review status: no assertion criteria provided. Collection method: clinical testing. Allele origin: germline. Not counted in ClinVar's aggregate classification.

Natera, Inc.
Classification: Likely benign for Ataxia-telangiectasia. Last evaluated: 2019-10-30. Review status: no assertion criteria provided. Collection method: clinical testing. Allele origin: germline. Not counted in ClinVar's aggregate classification.

True Health Diagnostics
Classification: Uncertain significance for Hereditary cancer-predisposing syndrome. Last evaluated: 2018-02-14. Review status: no assertion criteria provided. Collection method: clinical testing. Allele origin: germline. Not counted in ClinVar's aggregate classification.

OMIM
Classification: Uncertain significance for RECLASSIFIED - VARIANT OF UNKNOWN SIGNIFICANCE. Last evaluated: 2006-11-01. Review status: no assertion criteria provided. Collection method: literature only. Allele origin: germline. Not counted in ClinVar's aggregate classification.

Clinical Genetics DNA and cytogenetics Diagnostics Lab, Erasmus MC, Erasmus Medical Center
Classification: Likely benign. Review status: no assertion criteria provided. Collection method: clinical testing. Allele origin: germline. Affected: yes. Study: VKGL Data-share Consensus. Not counted in ClinVar's aggregate classification.

Department of Pathology and Laboratory Medicine, Sinai Health System
Classification: Likely benign for Malignant tumor of breast. Review status: no assertion criteria provided. Collection method: clinical testing. Allele origin: unknown. Affected: yes. Study: The Canadian Open Genetics Repository (COGR). Not counted in ClinVar's aggregate classification.
Comment: The ATM c.1066-6T>G variant was identified in 51 of 18,694 proband chromosomes (frequency: 0.003) from individuals or families with chronic lymphocatic leukemia, breast or ovarian cancer and was present in 70 of 27,754 control chromosomes (frequency: 0.003) from healthy individuals (Ding 2010, Tiao 2017). The variant was identified in dbSNP (rs201686625) as â€šÃ„Ãºwith other alleleâ€šÃ„Ã¹, ClinVar (classified as uncertain significance by Ambry Genetics, Integrated Genetics and 5 other submitters; as benign by Invitae, Color, Athena Diagnostics and 2 other submitters; and as likely benign by GeneDx and 2 other submitters) and LOVD 3.0 (observed 8x). The variant was identified in control databases in 357 of 266,346 chromosomes (2 homozygous) at a frequency of 0.001 (Genome Aggregation Database Feb 27, 2017). The variant was observed in the following populations: African in 7 of 23,658 chromosomes (freq: 0.0003), Other in 2 of 6198 chromosomes (freq: 0.0003), Latino in 19 of 32,652 chromosomes (freq: 0.0006), European in 286 of 123,010 chromosomes (freq: 0.002), Finnish in 18 of 25,254 chromosomes (freq: 0.0007), and South Asian in 25 of 27,738 chromosomes (freq: 0.0009); it was not observed in the Ashkenazi Jewish or East Asian populations. The variant was identified by our laboratory in multiple patients with pathogenic variants in BRCA2 (including c.1929del, p.Arg645Glufs*15 and c.755_758del, p.Asp252Valfs*24). The variant was also identified in the homozygous state in a patient with ataxia telangiectasia (Dork 2001), for whom alternate pathogenic variants were subsequently identified (Tavtigian 2009). A patient with mild ataxia telangiectasia was found to carry this variant in the compound heterozygous state and had reduced ATM protein expression and kinase activity, indicating this variant does not fully abolish protein expression and function (Austen 2016). Additionally, this variant leads to an increase in exon 11 skipping, although some exon 11 skipping is found in controls who do not carry this variant (Soukupova 2007). The c.1066-6T>G variant is located in the 3' splice region and does not affect the invariant -1 and -2 positions. However, positions -3 and -5 to -12 are part of the splicing consensus sequence; variants involving these positions sometimes affect splicing and 2 of 4 in silico or computational prediction software programs (SpliceSiteFinder, MaxEntScan, NNSPLICE, GeneSplicer, HumanSpliceFinder) predict a greater than 10% difference in splicing. However, this information is not predictive enough to assume pathogenicity. In summary, based on the above information, the clinical significance of this variant cannot be determined with certainty at this time although we would lean towards a more benign role for this variant. This variant is classified as likely benign.

Dr. Peter K. Rogan Lab, Western University
No classification provided (evidence only). Condition: Familial cancer of breast. Review status: no classification provided. Collection method: in vitro. Allele origin: not applicable. Functional consequence: retained intron. Not counted in ClinVar's aggregate classification.

Dr. Peter K. Rogan Lab, Western University
No classification provided (evidence only). Condition: Acute myeloid leukemia. Review status: no classification provided. Collection method: in vitro. Allele origin: not applicable. Functional consequence: skipped exon. Not counted in ClinVar's aggregate classification.